The following is an entry in ClinVar:

NM_052947.4(ALPK2):c.4423A>G (p.Met1475Val)

Genes: ALPK2 (alpha kinase 2; minus strand), LOC126862764 (BRD4-independent group 4 enhancer GRCh37_chr18:56202574-56203773; plus strand). Cytogenetic location: 18q21.31.
Variant type: single nucleotide variant.
Coding change: c.4423A>G on transcript NM_052947.4 (MANE Select); coding-DNA position 4423, A replaced by G.
Protein change: p.Met1475Val; replaces methionine 1475 with valine.
Molecular consequence: missense variant.
Genome position (GRCh38, 1-based): chr18:58,535,764, T>C on the plus strand (A>G on the coding strand, the complement: ALPK2 is on the minus strand). VCF-style: chr18-58535764-T-C. GRCh37 (hg19) VCF-style: chr18-56202996-T-C.
Other names: short protein forms M1475V.
Identifiers: ClinVar variation 2497282 (VCV002497282.2), dbSNP rs2518874779, ClinGen allele CA402562591.

ClinVar aggregate classification (germline): Uncertain significance (1 of 4 stars; one submission).

Allele frequency attached by ClinVar (database versions not stated): gnomAD exomes below 0.00001.

Submission:

Ambry Genetics
Classification: Uncertain significance. Last evaluated: 2022-12-19. Review status: criteria provided, single submitter. Criteria: Ambry Variant Classification Scheme 2023. Collection method: clinical testing. Allele origin: germline.
Comment: The p.M1475V variant (also known as c.4423A>G), located in coding exon 4 of the ALPK2 gene, results from an A to G substitution at nucleotide position 4423. The methionine at codon 1475 is replaced by valine, an amino acid with highly similar properties. This amino acid position is conserved. In addition, this alteration is predicted to be tolerated by in silico analysis. Since supporting evidence is limited at this time, the clinical significance of this alteration remains unclear.